The following is an entry in ClinVar:

ClinVar aggregate classification (germline): Uncertain significance (1 of 4 stars; one submission).

Conditions:
Cardiovascular phenotype. Identifiers: MedGen CN230736.

Submission:

Ambry Genetics
Classification: Uncertain significance for Cardiovascular phenotype. Last evaluated: 2025-11-10. Review status: criteria provided, single submitter. Criteria: Ambry Variant Classification Scheme 2023. Collection method: clinical testing. Allele origin: germline.
Comment: The p.T1465S variant (also known as c.4394C>G), located in coding exon 11 of the TNXB gene, results from a C to G substitution at nucleotide position 4394. The threonine at codon 1465 is replaced by serine, an amino acid with similar properties. This amino acid position is conserved. In addition, this alteration is predicted to be tolerated by in silico analysis. Based on the available evidence, the clinical significance of this variant remains unclear.

NM_001365276.2(TNXB):c.4394C>G (p.Thr1465Ser)

Gene: TNXB (tenascin XB; minus strand). Cytogenetic location: 6p21.33.
Variant type: single nucleotide variant.
Coding change: c.4394C>G on transcript NM_001365276.2 (MANE Select); coding-DNA position 4394, C replaced by G.
Protein change: p.Thr1465Ser; replaces threonine 1465 with serine.
Molecular consequence: missense variant.
Genome position (GRCh38, 1-based): chr6:32,073,934, G>C on the plus strand (C>G on the coding strand, the complement: TNXB is on the minus strand). VCF-style: chr6-32073934-G-C. GRCh37 (hg19) VCF-style: chr6-32041711-G-C.
Other names: c.5135C>G, p.Thr1712Ser (NM_001428335.1); c.4394C>G, p.Thr1465Ser (NM_019105.8); short protein forms T1465S, T1712S.
Identifiers: ClinVar variation 4615173 (VCV004615173.1).